The following is an entry in ClinVar:

ClinVar aggregate classification (germline): Uncertain significance. Review status: criteria provided, multiple submitters, no conflicts (2 of 4 stars). 3 submissions from 3 submitters: Uncertain significance (2). 1 of the submissions does not count toward it. Last evaluated 2023-11-17.

Conditions:
Hereditary cancer-predisposing syndrome. Also called: Hereditary neoplastic syndrome; Neoplastic Syndromes, Hereditary; Hereditary Cancer Syndrome; Tumor predisposition. Identifiers: Orphanet 140162, MedGen C0027672, MeSH D009386, MONDO:0015356.
Bloom syndrome (BLM). Also called: Bloom-Torre-Machacek syndrome. Identifiers: Orphanet 125, MedGen C0005859, MONDO:0008876, OMIM 210900.

Submissions (3):

Labcorp Genetics (formerly Invitae), Labcorp
Classification: Uncertain significance for Bloom syndrome. Last evaluated: 2023-11-17. Review status: criteria provided, single submitter. Criteria: Invitae Variant Classification Sherloc (09022015). Collection method: clinical testing. Allele origin: germline.
Comment: This sequence change replaces phenylalanine, which is neutral and non-polar, with tyrosine, which is neutral and polar, at codon 169 of the BLM protein (p.Phe169Tyr). This variant is not present in population databases (gnomAD no frequency). This variant has not been reported in the literature in individuals affected with BLM-related conditions. ClinVar contains an entry for this variant (Variation ID: 967218). An algorithm developed to predict the effect of missense changes on protein structure and function (PolyPhen-2) suggests that this variant is likely to be tolerated. In summary, the available evidence is currently insufficient to determine the role of this variant in disease. Therefore, it has been classified as a Variant of Uncertain Significance.

Ambry Genetics
Classification: Uncertain significance for Hereditary cancer-predisposing syndrome. Last evaluated: 2022-12-25. Review status: criteria provided, single submitter. Criteria: Ambry Variant Classification Scheme 2023. Collection method: clinical testing. Allele origin: germline.
Comment: The p.F169Y variant (also known as c.506T>A), located in coding exon 2 of the BLM gene, results from a T to A substitution at nucleotide position 506. The phenylalanine at codon 169 is replaced by tyrosine, an amino acid with highly similar properties. This amino acid position is conserved. In addition, this alteration is predicted to be tolerated by in silico analysis. Since supporting evidence is limited at this time, the clinical significance of this alteration remains unclear.

Natera, Inc.
Classification: Uncertain significance for Bloom syndrome. Last evaluated: 2021-01-21. Review status: no assertion criteria provided. Collection method: clinical testing. Allele origin: germline. Not counted in ClinVar's aggregate classification.

NM_000057.4(BLM):c.506T>A (p.Phe169Tyr)

Gene: BLM (BLM RecQ like helicase; plus strand). Cytogenetic location: 15q26.1.
Variant type: single nucleotide variant.
Coding change: c.506T>A on transcript NM_000057.4 (MANE Select); coding-DNA position 506, T replaced by A.
Protein change: p.Phe169Tyr; replaces phenylalanine 169 with tyrosine.
Molecular consequence: missense variant. On other transcripts: 5 prime UTR variant (1).
Genome position (GRCh38, 1-based): chr15:90,749,774, T>A. VCF-style: chr15-90749774-T-A. GRCh37 (hg19) VCF-style: chr15-91293004-T-A.
Other names: c.506T>A, p.Phe169Tyr (NM_001287246.2, NM_001287247.2); c.-786T>A (NM_001287248.2); c.506T>A (NM_000057.2); short protein forms F169Y.
Identifiers: ClinVar variation 967218 (VCV000967218.14), dbSNP rs1013299710, ClinGen allele CA393840935.